The following is an entry in ClinVar:

ClinVar aggregate classification (germline): Uncertain significance (1 of 4 stars; one submission).

Conditions:
LAMA2-related muscular dystrophy (LAMA2-RD). Also called: Laminin alpha 2-related dystrophy. Identifiers: MedGen C5679788, MONDO:0100228.

Allele frequency attached by ClinVar (database versions not stated): gnomAD exomes below 0.00001.
gnomAD v4.1: 1 of 1,614,110 alleles (0.000062%); highest among the groups gnomAD compares: Non-Finnish European, 0.000085%; no homozygotes.

Submission:

Labcorp Genetics (formerly Invitae), Labcorp
Classification: Uncertain significance for LAMA2-related muscular dystrophy. Last evaluated: 2022-07-17. Review status: criteria provided, single submitter. Criteria: Invitae Variant Classification Sherloc (09022015). Collection method: clinical testing. Allele origin: germline.
Comment: This sequence change replaces lysine, which is basic and polar, with arginine, which is basic and polar, at codon 1780 of the LAMA2 protein (p.Lys1780Arg). This variant is not present in population databases (gnomAD no frequency). This variant has not been reported in the literature in individuals affected with LAMA2-related conditions. Advanced modeling of protein sequence and biophysical properties (such as structural, functional, and spatial information, amino acid conservation, physicochemical variation, residue mobility, and thermodynamic stability) performed at Invitae indicates that this missense variant is not expected to disrupt LAMA2 protein function. In summary, the available evidence is currently insufficient to determine the role of this variant in disease. Therefore, it has been classified as a Variant of Uncertain Significance.

NM_000426.4(LAMA2):c.5339A>G (p.Lys1780Arg)

Gene: LAMA2 (laminin subunit alpha 2; plus strand). Cytogenetic location: 6q22.33.
Variant type: single nucleotide variant.
Coding change: c.5339A>G on transcript NM_000426.4 (MANE Select); coding-DNA position 5339, A replaced by G.
Protein change: p.Lys1780Arg; replaces lysine 1780 with arginine.
Molecular consequence: missense variant.
Genome position (GRCh38, 1-based): chr6:129,393,149, A>G. VCF-style: chr6-129393149-A-G. GRCh37 (hg19) VCF-style: chr6-129714294-A-G.
Other names: c.5339A>G, p.Lys1780Arg (NM_001079823.2); short protein forms K1780R.
Identifiers: ClinVar variation 1718006 (VCV001718006.6), dbSNP rs2482737093, ClinGen allele CA365614781.